The following is an entry in ClinVar:

NM_000352.6(ABCC8):c.4253G>A (p.Arg1418His)

Gene: ABCC8 (ATP binding cassette subfamily C member 8; minus strand). Cytogenetic location: 11p15.1.
Variant type: single nucleotide variant.
Coding change: c.4253G>A on transcript NM_000352.6 (MANE Select); coding-DNA position 4253, G replaced by A.
Protein change: p.Arg1418His; replaces arginine 1418 with histidine.
Molecular consequence: missense variant. On other transcripts: non-coding transcript variant (1).
Genome position (GRCh38, 1-based): chr11:17,395,664, C>T on the plus strand (G>A on the coding strand, the complement: ABCC8 is on the minus strand). VCF-style: chr11-17395664-C-T. GRCh37 (hg19) VCF-style: chr11-17417211-C-T.
Other names: c.4256G>A, p.Arg1419His (NM_001287174.3); c.4319G>A, p.Arg1440His (NM_001351295.2); c.4253G>A, p.Arg1418His (NM_001351296.2); c.4250G>A, p.Arg1417His (NM_001351297.2); short protein forms R1418H, R1419H, R1417H, R1440H.
Identifiers: ClinVar variation 552540 (VCV000552540.20), dbSNP rs1446306735, ClinGen allele CA379786705.
Genomic context (GRCh38, chr11:17,395,664, plus strand): 5'-GCTCACCGGATGGTGCCGCTGAAGAGGACGGGGTCCTGCAGGATGATGGAGAGGCGTGAG[C>T]GCAGGGTGTGCAGCGGCAGTTTGGCGATGTCAATGCCATCAATGATGATGTGCCCTGCAT-3'
Protein context (NP_000343.2, residues 1408-1428): DIAKLPLHTL[Arg1418His]SRLSIILQDP

ClinVar aggregate classification (germline): Pathogenic/Likely pathogenic. Review status: criteria provided, multiple submitters, no conflicts (2 of 4 stars). 6 submissions from 6 submitters: Pathogenic (4); Likely pathogenic (1). 1 of the submissions does not count toward it. Last evaluated 2026-01-07.

Conditions:
Hyperinsulinemic hypoglycemia, familial, 1 (HHF1). Also called: HYPERINSULINISM, FAMILIAL, WITH PANCREATIC NESIDIOBLASTOSIS; HYPOGLYCEMIA, HYPERINSULINEMIC, OF INFANCY; Persistent hyperinsulinemic hypoglycemia of infancy; NESIDIOBLASTOSIS OF PANCREAS; Persistent Hyperinsulinemia Hypoglycemia of Infancy. Identifiers: Orphanet 276575, Orphanet 276598, MedGen C2931832, MONDO:0009734, OMIM 256450.
Type 2 diabetes mellitus. Also called: Type II diabetes mellitus. Identifiers: MedGen C0011860, MeSH D003924, MONDO:0005148, OMIM 125853, HP:0005978.
Diabetes mellitus, transient neonatal, 2 (TNDM2). Identifiers: Orphanet 99886, MedGen C1835887, MONDO:0012480, OMIM 610374. Disease mechanism: loss of function.
Diabetes mellitus, permanent neonatal 3. Also called: ABCC8-Related Permanent Neonatal Diabetes Mellitus. Identifiers: MedGen C5394303, MONDO:0030088, OMIM 618857.
Leucine-induced hypoglycemia (LIH). Also called: LEUCINE-SENSITIVE HYPOGLYCEMIA OF INFANCY. Identifiers: MedGen C0271714, MONDO:0009415, OMIM 240800.
Hereditary hyperinsulinism.

Allele frequency attached by ClinVar (database versions not stated): TOPMed 0.00001; gnomAD exomes below 0.00001.

Submissions (6):

GeneDx
Classification: Pathogenic. Last evaluated: 2026-01-07. Review status: criteria provided, single submitter. Criteria: GeneDx Variant Classification Process June 2021. Collection method: clinical testing. Allele origin: germline. Affected: yes.
Comment: In silico analysis supports that this missense variant has a deleterious effect on protein structure/function; Not observed at significant frequency in large population cohorts (gnomAD); Also known as p.R1419H; This variant is associated with the following publications: (PMID: 34992182, 38963811, 25781536, 23798684, 25720052, 34304300, 23275527, 23226049, 15579781, 34631896, 23345197)

Natera, Inc.
Classification: Likely pathogenic for Hereditary hyperinsulinism. Last evaluated: 2025-09-30. Review status: criteria provided, single submitter. Criteria: Natera Variant Classification Schema (03/2026). Collection method: clinical testing. Allele origin: germline.
Comment: The c.4253G>A variant in ABCC8 is a missense variant predicted to cause substitution of arginine to histidine at amino acid 1418. This variant is rare in the general population with a frequency below the threshold expected for the associated phenotype(s). This variant has been observed in one or more individuals affected with the associated recessive disease, as either homozygous or compound heterozygous with a second variant (PMID: 34304300, 25720052). Functional studies show that this variant may disrupt protein function (PMID: 15579781, 25720052). Computational prediction algorithms indicate this variant is likely to affect gene or protein function. Given the available evidence, this variant is classified as Likely Pathogenic.

Baylor Genetics
Classification: Pathogenic for Type 2 diabetes mellitus. Last evaluated: 2024-01-26. Review status: criteria provided, single submitter. Criteria: ACMG Guidelines, 2015. Collection method: clinical testing. Allele origin: unknown.

Labcorp Genetics (formerly Invitae), Labcorp
Classification: Pathogenic. Last evaluated: 2023-12-23. Review status: criteria provided, single submitter. Criteria: Invitae Variant Classification Sherloc (09022015). Collection method: clinical testing. Allele origin: germline.
Comment: This sequence change replaces arginine, which is basic and polar, with histidine, which is basic and polar, at codon 1418 of the ABCC8 protein (p.Arg1418His). This variant is not present in population databases (gnomAD no frequency). This missense change has been observed in individuals with autosomal recessive familial hyperinsulinism (PMID: 15579781, 23275527, 25720052). This variant is also known as R1419H. ClinVar contains an entry for this variant (Variation ID: 552540). Advanced modeling of protein sequence and biophysical properties (such as structural, functional, and spatial information, amino acid conservation, physicochemical variation, residue mobility, and thermodynamic stability) performed at Invitae indicates that this missense variant is expected to disrupt ABCC8 protein function with a positive predictive value of 95%. Experimental studies have shown that this missense change affects ABCC8 function (PMID: 23798684). This variant disrupts the p.Arg1419 amino acid residue in ABCC8. Other variant(s) that disrupt this residue have been observed in individuals with ABCC8-related conditions (PMID: 24401662, 26316440), which suggests that this may be a clinically significant amino acid residue. For these reasons, this variant has been classified as Pathogenic.

Fulgent Genetics
Classification: Pathogenic for Type 2 diabetes mellitus; Leucine-induced hypoglycemia; Hyperinsulinemic hypoglycemia, familial, 1; Diabetes mellitus, transient neonatal, 2; Diabetes mellitus, permanent neonatal 3. Last evaluated: 2022-02-28. Review status: criteria provided, single submitter. Criteria: ACMG Guidelines, 2015. Collection method: clinical testing. Allele origin: unknown.

Counsyl
Classification: Likely pathogenic for Hyperinsulinemic hypoglycemia, familial, 1. Last evaluated: 2017-06-14. Review status: no assertion criteria provided. Collection method: clinical testing. Allele origin: unknown. Not counted in ClinVar's aggregate classification.

Literature cited by the submitters: PubMed 34304300 (cited by Natera, Inc.); PubMed 25720052 (cited by 3 submitters); PubMed 15579781 (cited by 3 submitters); PubMed 23275527 (cited by Labcorp Genetics (formerly Invitae), Labcorp and Counsyl); PubMed 23798684 (cited by Labcorp Genetics (formerly Invitae), Labcorp and Counsyl); PubMed 24401662 (cited by Labcorp Genetics (formerly Invitae), Labcorp); PubMed 26316440 (cited by Labcorp Genetics (formerly Invitae), Labcorp); PubMed 23345197 (cited by Counsyl).